The following is an entry in ClinVar:

ClinVar aggregate classification (germline): Uncertain significance (1 of 4 stars; one submission).

Conditions:
Cortical dysplasia-focal epilepsy syndrome (PTHSL1). Also called: Pitt-Hopkins-like syndrome 1. Identifiers: Orphanet 163681, Orphanet 221150, MedGen C2750246, MONDO:0012400, OMIM 610042.

Submission:

Labcorp Genetics (formerly Invitae), Labcorp
Classification: Uncertain significance for Cortical dysplasia-focal epilepsy syndrome. Last evaluated: 2022-02-24. Review status: criteria provided, single submitter. Criteria: Invitae Variant Classification Sherloc (09022015). Collection method: clinical testing. Allele origin: germline.
Comment: In summary, the available evidence is currently insufficient to determine the role of this variant in disease. Therefore, it has been classified as a Variant of Uncertain Significance. This variant has not been reported in the literature in individuals affected with CNTNAP2-related conditions. This variant results in a copy number gain of the genomic region encompassing exon(s) 5-8 of the CNTNAP2 gene. While the exact position of this variant cannot be determined from the data, sub-genic copy number gains are generally in tandem (PMID: 25640679). This variant is predicted to be in-frame, and likely preserves the integrity of the reading frame.

Literature cited by the submitters: PubMed 25640679.

NC_000007.13:g.(?_146805219)_(146829621_?)dup

Gene: CNTNAP2 (contactin associated protein 2; plus strand). Cytogenetic location: 7q35.
Variant type: Duplication.
Identifiers: ClinVar variation 1411791 (VCV001411791.7).